The following is an entry in ClinVar:

ClinVar aggregate classification (germline): Conflicting classifications of pathogenicity. Review status: criteria provided, conflicting classifications (1 of 4 stars). 3 submissions from 3 submitters: Uncertain significance (1); Likely benign (2). Last evaluated 2026-03-11.

Conditions:
Familial thoracic aortic aneurysm and aortic dissection (TAAD). Also called: Thoracic aortic aneurysms and dissections. Identifiers: Orphanet 91387, MedGen C4707243, MONDO:0019625.
Arterial tortuosity syndrome (ATORS). Identifiers: Orphanet 3342, MedGen C1859726, MONDO:0008818, OMIM 208050.

Allele frequency attached by ClinVar (database versions not stated): gnomAD exomes 0.00002; gnomAD 0.00004; ExAC 0.00002; TOPMed 0.00003.
gnomAD v4.1: 42 of 1,613,926 alleles (0.0026%); highest among the groups gnomAD compares: East Asian, 0.0045%; no homozygotes.

Submissions (3):

Ambry Genetics
Classification: Likely benign for Familial thoracic aortic aneurysm and aortic dissection. Last evaluated: 2026-03-11. Review status: criteria provided, single submitter. Criteria: Ambry Variant Classification Scheme 2023. Collection method: clinical testing. Allele origin: germline.

Labcorp Genetics (formerly Invitae), Labcorp
Classification: Uncertain significance for Arterial tortuosity syndrome. Last evaluated: 2021-08-31. Review status: criteria provided, single submitter. Criteria: Invitae Variant Classification Sherloc (09022015). Collection method: clinical testing. Allele origin: germline.
Comment: This sequence change replaces arginine with glutamine at codon 215 of the SLC2A10 protein (p.Arg215Gln). The arginine residue is moderately conserved and there is a small physicochemical difference between arginine and glutamine. This variant is present in population databases (rs774497964, ExAC 0.01%). This variant has not been reported in the literature in individuals affected with SLC2A10-related conditions. ClinVar contains an entry for this variant (Variation ID: 213716). Advanced modeling of protein sequence and biophysical properties (such as structural, functional, and spatial information, amino acid conservation, physicochemical variation, residue mobility, and thermodynamic stability) performed at Invitae indicates that this missense variant is not expected to disrupt SLC2A10 protein function. In summary, the available evidence is currently insufficient to determine the role of this variant in disease. Therefore, it has been classified as a Variant of Uncertain Significance.

GeneDx
Classification: Likely benign. Last evaluated: 2015-04-22. Review status: criteria provided, single submitter. Criteria: GeneDx Variant Classification (06012015). Collection method: clinical testing. Allele origin: germline. Affected: yes.
Comment: This variant is considered likely benign or benign based on one or more of the following criteria: it is a conservative change, it occurs at a poorly conserved position in the protein, it is predicted to be benign by multiple in silico algorithms, and/or has population frequency not consistent with disease.

NM_030777.4(SLC2A10):c.644G>A (p.Arg215Gln)

Gene: SLC2A10 (solute carrier family 2 member 10; plus strand). Cytogenetic location: 20q13.12.
Variant type: single nucleotide variant.
Coding change: c.644G>A on transcript NM_030777.4 (MANE Select); coding-DNA position 644, G replaced by A.
Protein change: p.Arg215Gln; replaces arginine 215 with glutamine.
Molecular consequence: missense variant.
Genome position (GRCh38, 1-based): chr20:46,725,680, G>A. VCF-style: chr20-46725680-G-A. GRCh37 (hg19) VCF-style: chr20-45354319-G-A.
Other names: p.R215Q:CGG>CAG; short protein forms R215Q.
Identifiers: ClinVar variation 213716 (VCV000213716.10), dbSNP rs774497964, ClinGen allele CA324670.